The following is an entry in ClinVar:

NM_001430.5(EPAS1):c.2593G>C (p.Ala865Pro)

Gene: EPAS1 (endothelial PAS domain protein 1; plus strand). Cytogenetic location: 2p21.
Variant type: single nucleotide variant.
Coding change: c.2593G>C on transcript NM_001430.5 (MANE Select); coding-DNA position 2593, G replaced by C.
Protein change: p.Ala865Pro; replaces alanine 865 with proline.
Molecular consequence: missense variant.
Genome position (GRCh38, 1-based): chr2:46,384,640, G>C. VCF-style: chr2-46384640-G-C. GRCh37 (hg19) VCF-style: chr2-46611779-G-C.
Other names: short protein forms A865P.
Identifiers: ClinVar variation 3681171 (VCV003681171.2).
Genomic context (GRCh38, chr2:46,384,640, plus strand): 5'-GAGGTGAACGTGCCCGTGCTGGGAAGCTCCACGCTCCTGCAAGGAGGGGACCTCCTCAGA[G>C]CCCTGGACCAGGCCACCTGAGCCAGGCCTTCTACCTGGGCAGCACCTCTGCCGACGCCGT-3'
Protein context (NP_001421.2, residues 855-870): TLLQGGDLLR[Ala865Pro]LDQAT

ClinVar aggregate classification (germline): Uncertain significance (1 of 4 stars; one submission).

Submission:

Labcorp Genetics (formerly Invitae), Labcorp
Classification: Uncertain significance. Last evaluated: 2025-01-29. Review status: criteria provided, single submitter. Criteria: Invitae Variant Classification Sherloc (09022015). Collection method: clinical testing. Allele origin: germline.
Comment: This sequence change replaces alanine, which is neutral and non-polar, with proline, which is neutral and non-polar, at codon 865 of the EPAS1 protein (p.Ala865Pro). This variant is not present in population databases (gnomAD no frequency). This variant has not been reported in the literature in individuals affected with EPAS1-related conditions. An algorithm developed to predict the effect of missense changes on protein structure and function (PolyPhen-2) suggests that this variant is likely to be disruptive. In summary, the available evidence is currently insufficient to determine the role of this variant in disease. Therefore, it has been classified as a Variant of Uncertain Significance.